The following is an entry in ClinVar:

NM_000051.4(ATM):c.1235+4A>T

Gene: ATM (ATM serine/threonine kinase; plus strand). Cytogenetic location: 11q22.3.
Variant type: single nucleotide variant.
Coding change: c.1235+4A>T on transcript NM_000051.4 (MANE Select); 4 bases into the intron after coding-DNA position 1235, A replaced by T.
Molecular consequence: intron variant.
Genome position (GRCh38, 1-based): chr11:108,249,106, A>T. VCF-style: chr11-108249106-A-T. GRCh37 (hg19) VCF-style: chr11-108119833-A-T.
Other names: c.1235+4A>T (NM_001351834.2).
Identifiers: ClinVar variation 481110 (VCV000481110.12), dbSNP rs786203147, ClinGen allele CA658656228.

ClinVar aggregate classification (germline): Uncertain significance. Review status: criteria provided, multiple submitters, no conflicts (2 of 4 stars). 2 submissions from 2 submitters: Uncertain significance (2). Last evaluated 2025-11-20.

Conditions:
Hereditary cancer-predisposing syndrome. Also called: Hereditary neoplastic syndrome; Neoplastic Syndromes, Hereditary; Tumor predisposition; Hereditary Cancer Syndrome. Identifiers: Orphanet 140162, MedGen C0027672, MeSH D009386, MONDO:0015356.
Ataxia-telangiectasia syndrome (AT). Also called: LOUIS-BAR SYNDROME; Cerebello-oculocutaneous telangiectasia; Immunodeficiency with ataxia telangiectasia; AT, COMPLEMENTATION GROUP C; Ataxia-telangiectasia, complementation group D; ATAXIA-TELANGIECTASIA, COMPLEMENTATION GROUP A. Identifiers: Orphanet 100, MedGen C0004135, MONDO:0008840, OMIM 208900.

Submissions (2):

Ambry Genetics
Classification: Uncertain significance for Hereditary cancer-predisposing syndrome. Last evaluated: 2025-11-20. Review status: criteria provided, single submitter. Criteria: Ambry Variant Classification Scheme 2023. Collection method: clinical testing. Allele origin: germline.
Comment: The c.1235+4A>T intronic variant results from an A to T substitution 4 nucleotides after coding exon 8 in the ATM gene. This nucleotide position is highly conserved in available vertebrate species. In silico splice site analysis predicts that this alteration will weaken the native splice donor site. Based on the available evidence, the clinical significance of this variant remains unclear.

Labcorp Genetics (formerly Invitae), Labcorp
Classification: Uncertain significance for Ataxia-telangiectasia syndrome. Last evaluated: 2024-05-08. Review status: criteria provided, single submitter. Criteria: Invitae Variant Classification Sherloc (09022015). Collection method: clinical testing. Allele origin: germline.
Comment: This sequence change falls in intron 9 of the ATM gene. It does not directly change the encoded amino acid sequence of the ATM protein. It affects a nucleotide within the consensus splice site. This variant is not present in population databases (gnomAD no frequency). This variant has not been reported in the literature in individuals affected with ATM-related conditions. ClinVar contains an entry for this variant (Variation ID: 481110). Variants that disrupt the consensus splice site are a relatively common cause of aberrant splicing (PMID: 17576681, 9536098). Algorithms developed to predict the effect of sequence changes on RNA splicing suggest that this variant may disrupt the consensus splice site. In summary, the available evidence is currently insufficient to determine the role of this variant in disease. Therefore, it has been classified as a Variant of Uncertain Significance.

Literature cited by the submitters: PubMed 17576681 (cited by Labcorp Genetics (formerly Invitae), Labcorp); PubMed 9536098 (cited by Labcorp Genetics (formerly Invitae), Labcorp).